The following is an entry in ClinVar:

ClinVar aggregate classification (germline): Pathogenic (1 of 4 stars; one submission).

Conditions:
Developmental and epileptic encephalopathy, 11 (DEE11). Also called: Early infantile epileptic encephalopathy 11. Identifiers: Orphanet 1934, MedGen C3150987, MONDO:0013388, OMIM 613721.

Submission:

Center for Pediatric Genomic Medicine, Children's Mercy Hospital and Clinics
Classification: Pathogenic for Developmental and epileptic encephalopathy, 11. Last evaluated: 2021-02-01. Review status: criteria provided, single submitter. Criteria: ACMG Guidelines, 2015. Collection method: clinical testing. Allele origin: de novo. Affected: yes.
Comment: PS2, PM1, PM2, PM5, PP3

NM_001040142.2(SCN2A):c.662T>A (p.Val221Asp)

Gene: SCN2A (sodium voltage-gated channel alpha subunit 2; plus strand). Cytogenetic location: 2q24.3.
Variant type: single nucleotide variant.
Coding change: c.662T>A on transcript NM_001040142.2 (MANE Select); coding-DNA position 662, T replaced by A.
Protein change: p.Val221Asp; replaces valine 221 with aspartic acid.
Molecular consequence: missense variant. On other transcripts: intron variant (2).
Genome position (GRCh38, 1-based): chr2:165,309,408, T>A. VCF-style: chr2-165309408-T-A. GRCh37 (hg19) VCF-style: chr2-166165918-T-A.
Other names: c.662T>A, p.Val221Asp (NM_001371247.1, NM_021007.3); c.697+152T>A (NM_001040143.2, NM_001371246.1); short protein forms V221D.
Identifiers: ClinVar variation 5042499 (VCV005042499.1).
Genomic context (GRCh38, chr2:165,309,408, plus strand): 5'-ACAGATATGTGACAGAGTTTGTGGACCTGGGCAATGTCTCAGCGTTGAGAACATTCAGAG[T>A]TCTCCGAGCATTGAAAACAATTTCAGTCATTCCAGGTGAGAGCTAGGTTAAACACCGAGG-3'
Protein context (NP_001035232.1, residues 211-231): GNVSALRTFR[Val221Asp]LRALKTISVI